The following is an entry in ClinVar:

ClinVar aggregate classification (germline): Uncertain significance (1 of 4 stars; one submission).

Submission:

GeneDx
Classification: Uncertain significance. Last evaluated: 2025-06-26. Review status: criteria provided, single submitter. Criteria: GeneDx Variant Classification Process June 2021. Collection method: clinical testing. Allele origin: germline. Affected: yes.
Comment: Not observed at significant frequency in large population cohorts (gnomAD); Frameshift variant predicted to result in protein truncation or nonsense mediated decay in a gene or region of a gene for which loss of function is not a well-established mechanism of disease; Has not been previously published as pathogenic or benign to our knowledge

NM_001378974.1(FBXW11):c.1437_1438del (p.Ser479fs)

Gene: FBXW11 (F-box and WD repeat domain containing 11; minus strand). Cytogenetic location: 5q35.1.
Variant type: Deletion.
Coding change: c.1437_1438del on transcript NM_001378974.1 (MANE Select); coding-DNA positions 1437 to 1438, 2 bases deleted (TG; older notation c.1437_1438delTG).
Protein change: p.Ser479fs; shifts the reading frame from serine 479.
Molecular consequence: frameshift variant.
Genome position (GRCh38, 1-based): chr5:171,870,761-171,870,762, CA deleted on the plus strand (TG on the coding strand, the reverse complement: FBXW11 is on the minus strand); deleting any 2 consecutive bases within chr5:171,870,761-171,870,763 gives the same sequence; the c. name uses the placement nearest the transcript's 3' end. VCF-style (leftmost placement, unchanged base first): chr5-171870760-CCA-C. GRCh37 (hg19) VCF-style: chr5-171297764-CCA-C.
Other names: c.1368_1369del, p.Ser456fs (NM_001378975.1); c.1341_1342del, p.Ser447fs (NM_001378976.1); c.1278_1279del, p.Ser426fs (NM_001378977.1, NM_001378978.1, NM_001378979.1); c.1272_1273del, p.Ser424fs (NM_001378980.1, NM_033645.3); c.1374_1375del, p.Ser458fs (NM_012300.3); c.1335_1336del, p.Ser445fs (NM_033644.3); short protein forms S424fs, S426fs, S445fs, S447fs, S456fs, S458fs, S479fs.
Identifiers: ClinVar variation 4540025 (VCV004540025.1).
Genomic context (GRCh38, chr5:171,870,760, plus strand): 5'-CTTCTTGATACAGTTATAGCAGTACATCTGAAAATCTGAAAGACATACCCATCATAGGCC[CCA>C]CTGACAATCCTCTTGTTATCAAACCGGATGCATCGGACCAATTCTTCATGTCCCTCTAGG-3'